The following is an entry in ClinVar:

ClinVar aggregate classification (germline): Likely pathogenic (1 of 4 stars; one submission).

Conditions:
Alkuraya-Kucinskas syndrome. Identifiers: Orphanet 610569, MedGen C4693347, MONDO:0060631, OMIM 617822.

Allele frequency attached by ClinVar (database versions not stated): gnomAD exomes below 0.00001.
gnomAD v4.1: 1 of 1,613,554 alleles (0.000062%); highest among the groups gnomAD compares: Admixed American, 0.0017%; no homozygotes.

Submission:

Women's Health and Genetics/Laboratory Corporation of America, LabCorp
Classification: Likely pathogenic for Alkuraya-Kucinskas syndrome. Last evaluated: 2022-07-12. Review status: criteria provided, single submitter. Criteria: LabCorp Variant Classification Summary - May 2015. Collection method: clinical testing. Allele origin: germline.
Comment: Variant summary: KIAA1109 (BLTP1) c.12353-2A>G is located in a canonical splice-site and is predicted to affect mRNA splicing, resulting in a significantly altered protein due to either exon skipping, shortening, or inclusion of intronic material. Several computational tools predict a significant impact on normal splicing: 4/4 predict the variant abolishes a 3' acceptor site. However, these predictions have yet to be confirmed by functional studies. The variant allele was found at a frequency of 4e-06 in 248898 control chromosomes (gnomAD). To our knowledge, no occurrence of c.12353-2A>G in individuals affected with Alkuraya-Kucinskas Syndrome and no experimental evidence demonstrating its impact on protein function have been reported. No clinical diagnostic laboratories have submitted clinical-significance assessments for this variant to ClinVar after 2014. Based on the evidence outlined above, the variant was classified as likely pathogenic.

NM_001384125.1(BLTP1):c.12617-2A>G

Gene: BLTP1 (bridge-like lipid transfer protein family member 1; plus strand). Cytogenetic location: 4q27.
Variant type: single nucleotide variant.
Coding change: c.12617-2A>G on transcript NM_001384125.1 (MANE Select); the canonical splice acceptor site of the intron before coding-DNA position 12617, A replaced by G.
Molecular consequence: splice acceptor variant.
Genome position (GRCh38, 1-based): chr4:122,343,408, A>G. VCF-style: chr4-122343408-A-G. GRCh37 (hg19) VCF-style: chr4-123264563-A-G.
Other names: c.12353-2A>G (NM_015312.4).
Identifiers: ClinVar variation 1705258 (VCV001705258.1), dbSNP rs1460702087, ClinGen allele CA358086385.